The following is an entry in ClinVar:

ClinVar aggregate classification (germline): Likely pathogenic (1 of 4 stars; one submission).

Conditions:
Charcot-Marie-Tooth disease type 4J (CMT4J). Also called: CHARCOT-MARIE-TOOTH DISEASE, AUTOSOMAL RECESSIVE, TYPE 4J; Charcot-Marie-Tooth Neuropathy Type 4J; CHARCOT-MARIE-TOOTH DISEASE, DEMYELINATING, TYPE 4J. Identifiers: Orphanet 139515, MedGen C1970011, MONDO:0012640, OMIM 611228.

Submission:

Harry Perkins Institute Of Medical Research, University Of Western Australia
Classification: Likely pathogenic for Charcot-Marie-Tooth disease type 4J. Review status: criteria provided, single submitter. Criteria: ACMG Guidelines, 2015. Collection method: research, in vitro. Allele origin: paternal, not applicable. Inheritance: Autosomal recessive inheritance. Affected: yes. Observed: 1 variant allele, 1 compound heterozygote. Functional consequence: splicing variant.
Comment: The variant is identified in trans with known pathogenic missense variant in FIG4 (c.122T>C, p.Ile41Thr). The intronic variant (c.1949-533A>G) is predicted to create a new donor splice site (spliceAI 0.59) leading to the inclusion of 99 bp of intronic sequence between exon 17 and 18 of FIG4. Inclusion of this cryptic exon would lead to an insertion of 14 aa (GFLARSPANLECSN*) leading to a truncated protein which likely induces nonsense mediated decay. Muscle cDNA studies showed amplification and sequencing of the predicted aberrantly spliced product in the patient sample which was absent in the controls. Additionally, a product consistent with normal splicing was amplified in both the patient and control samples and was confirmed by Sanger sequencing. To determine whether the allele with the intronic splice variant undergoes nonsense-mediated decay, RT-PCR was performed across the region spanning the p.Ile41Thr substitution in trans to compare the predominance of the aberrantly spliced allele, which is wildtype at the substitution site. In most Sanger sequencing chromatograms (n=4 of 6), the missense variant appeared homozygous. In the remaining two chromatograms, the missense variant was predominant, although a small trace of the wildtype base pair was also present. The majority of CMT4J cases described to date are compound heterozygous for the recurrent FIG4 missense variant (c.122T>C, p.Ile41Thr) in trans with a loss of function variant (PMID: 33405357). Overall, from a research perspective, our findings suggest that the FIG4 splice-altering intronic variant (c.1949-533A>G) inherited with the recurrent pathogenic p.Ile41Thr variant is likely pathogenic (PS3, PM2, PM3, PP3).

Literature cited by the submitters: PubMed 33405357; PubMed 17572665; PubMed 18261132; PubMed 20630877.

NM_014845.6(FIG4):c.1949-533A>G

Gene: FIG4 (FIG4 phosphoinositide 5-phosphatase; plus strand). Cytogenetic location: 6q21.
Variant type: single nucleotide variant.
Coding change: c.1949-533A>G on transcript NM_014845.6 (MANE Select); 533 bases into the intron before coding-DNA position 1949, A replaced by G.
Molecular consequence: intron variant.
Genome position (GRCh38, 1-based): chr6:109,785,769, A>G. VCF-style: chr6-109785769-A-G. GRCh37 (hg19) VCF-style: chr6-110106972-A-G.
Identifiers: ClinVar variation 4857667 (VCV004857667.1).
Genomic context (GRCh38, chr6:109,785,769, plus strand): 5'-AATTGAGGACTCCATCTAGTCATGCTTCAGCATCCCAACTTTGGGTGGGGAAGGCCATAA[A>G]GTAAGATTACAAAGTATTTTTGGTTCTTATTAAGTTATAAATTCATTTTGGAAGGTATTT-3'